The following is an entry in ClinVar:

NM_078629.4(MSL3):c.1094G>C (p.Ser365Thr)

Gene: MSL3 (MSL complex subunit 3; plus strand). Cytogenetic location: Xp22.2.
Variant type: single nucleotide variant.
Coding change: c.1094G>C on transcript NM_078629.4 (MANE Select); coding-DNA position 1094, G replaced by C.
Protein change: p.Ser365Thr; replaces serine 365 with threonine.
Molecular consequence: missense variant.
Genome position (GRCh38, 1-based): chrX:11,765,652, G>C. VCF-style: chrX-11765652-G-C. GRCh37 (hg19) VCF-style: chrX-11783771-G-C.
Other names: c.1058G>C, p.Ser353Thr (NM_001193270.2); c.647G>C, p.Ser216Thr (NM_001282174.1); c.596G>C, p.Ser199Thr (NM_006800.4); c.1094G>C, p.Ser365Thr (NM_078628.2); short protein forms S353T, S199T, S216T, S365T.
Identifiers: ClinVar variation 4625233 (VCV004625233.5).

ClinVar aggregate classification (germline): Likely benign. Review status: criteria provided, multiple submitters, no conflicts (2 of 4 stars). 2 submissions from 2 submitters: Likely benign (2). Last evaluated 2026-02-01.

Conditions:
Inborn genetic diseases. Identifiers: MedGen C0950123, MeSH D030342.

gnomAD v4.1: 202 of 1,210,453 alleles (0.017%); highest among the groups gnomAD compares: Non-Finnish European, 0.022%; 1 homozygote.

Submissions (2):

CeGaT Center for Human Genetics Tuebingen
Classification: Likely benign. Last evaluated: 2026-02-01. Review status: criteria provided, single submitter. Criteria: CeGaT Center For Human Genetics Tuebingen Variant Classification Criteria Version 2. Collection method: clinical testing. Allele origin: germline. Affected: yes. Observed: 1 variant allele.
Comment: MSL3: BS2

Ambry Genetics
Classification: Likely benign for Inborn genetic diseases. Last evaluated: 2025-10-29. Review status: criteria provided, single submitter. Criteria: Ambry Variant Classification Scheme 2023. Collection method: clinical testing. Allele origin: germline.